The following is an entry in ClinVar:

ClinVar aggregate classification (germline): Uncertain significance. Review status: criteria provided, multiple submitters, no conflicts (2 of 4 stars). 3 submissions from 3 submitters: Uncertain significance (3). Last evaluated 2025-11-28.

Conditions:
Bethlem myopathy 2 (BTHLM2). Identifiers: Orphanet 536516, Orphanet 610, MedGen C4225313, MONDO:0034022, OMIM 616471.
Ullrich congenital muscular dystrophy 2 (UCMD2). Identifiers: Orphanet 75840, MedGen C4225314, MONDO:0014654, OMIM 616470.

Allele frequency attached by ClinVar (database versions not stated): gnomAD 0.00002; TOPMed 0.00002; ExAC 0.00003; gnomAD exomes 0.00002 and 0.00001; ESP Exome Variant Server 0.00008.
gnomAD v4.1: 10 of 1,611,052 alleles (0.00062%); highest among the groups gnomAD compares: Non-Finnish European, 0.00085%; no homozygotes.

Submissions (3):

Women's Health and Genetics/Laboratory Corporation of America, LabCorp
Classification: Uncertain significance. Last evaluated: 2025-11-28. Review status: criteria provided, single submitter. Criteria: LabCorp Variant Classification Summary - May 2015. Collection method: clinical testing. Allele origin: germline.
Comment: Variant summary: COL12A1 c.274G>T (p.Val92Leu) results in a conservative amino acid change in the encoded protein sequence. Algorithms developed to predict the effect of missense changes on protein structure and function are either unavailable or do not agree on the potential impact of this missense change. The variant allele was found at a frequency of 1.6e-05 in 248296 control chromosomes. The available data on variant occurrences in the general population are insufficient to allow any conclusion about variant significance. To our knowledge, no occurrence of c.274G>T in individuals affected with COL12A1-related conditions and no experimental evidence demonstrating its impact on protein function have been reported. ClinVar contains an entry for this variant (Variation ID: 640831). Based on the evidence outlined above, the variant was classified as uncertain significance.

Labcorp Genetics (formerly Invitae), Labcorp
Classification: Uncertain significance for Bethlem myopathy 2; Ullrich congenital muscular dystrophy 2. Last evaluated: 2025-11-27. Review status: criteria provided, single submitter. Criteria: Invitae Variant Classification Sherloc (09022015). Collection method: clinical testing. Allele origin: germline.
Comment: This sequence change replaces valine, which is neutral and non-polar, with leucine, which is neutral and non-polar, at codon 92 of the COL12A1 protein (p.Val92Leu). This variant is present in population databases (rs377482121, gnomAD 0.005%). This variant has not been reported in the literature in individuals affected with COL12A1-related conditions. ClinVar contains an entry for this variant (Variation ID: 640831). Invitae Evidence Modeling of protein sequence and biophysical properties (such as structural, functional, and spatial information, amino acid conservation, physicochemical variation, residue mobility, and thermodynamic stability) indicates that this missense variant is expected to disrupt COL12A1 protein function with a positive predictive value of 80%. In summary, the available evidence is currently insufficient to determine the role of this variant in disease. Therefore, it has been classified as a Variant of Uncertain Significance.

Mayo Clinic Laboratories, Mayo Clinic
Classification: Uncertain significance. Last evaluated: 2023-07-26. Review status: criteria provided, single submitter. Criteria: ACMG Guidelines, 2015. Collection method: clinical testing. Allele origin: germline. Observed: 1 variant allele.

NM_004370.6(COL12A1):c.274G>T (p.Val92Leu)

Gene: COL12A1 (collagen type XII alpha 1 chain; minus strand). Cytogenetic location: 6q13.
Variant type: single nucleotide variant.
Coding change: c.274G>T on transcript NM_004370.6 (MANE Select); coding-DNA position 274, G replaced by T.
Protein change: p.Val92Leu; replaces valine 92 with leucine.
Molecular consequence: missense variant. On other transcripts: intron variant (1).
Genome position (GRCh38, 1-based): chr6:75,192,272, C>A on the plus strand (G>T on the coding strand, the complement: COL12A1 is on the minus strand). VCF-style: chr6-75192272-C-A. GRCh37 (hg19) VCF-style: chr6-75901988-C-A.
Other names: p.Val92Leu; c.73+10448G>T (NM_080645.3); short protein forms V92L.
Identifiers: ClinVar variation 640831 (VCV000640831.9), dbSNP rs377482121, ClinGen allele CA3894477.